The following is an entry in ClinVar:

NM_001035.3(RYR2):c.9457T>C (p.Ser3153Pro)

Gene: RYR2 (ryanodine receptor 2; plus strand). Cytogenetic location: 1q43.
Variant type: single nucleotide variant.
Coding change: c.9457T>C on transcript NM_001035.3 (MANE Select); coding-DNA position 9457, T replaced by C.
Protein change: p.Ser3153Pro; replaces serine 3153 with proline.
Molecular consequence: missense variant.
Genome position (GRCh38, 1-based): chr1:237,705,220, T>C. VCF-style: chr1-237705220-T-C. GRCh37 (hg19) VCF-style: chr1-237868520-T-C.
Other names: c.9457T>C (NM_001035.2); short protein forms S3153P.
Identifiers: ClinVar variation 2737818 (VCV002737818.4), dbSNP rs778182812, ClinGen allele CA087905.

ClinVar aggregate classification (germline): Uncertain significance. Review status: criteria provided, multiple submitters, no conflicts (2 of 4 stars). 2 submissions from 2 submitters: Uncertain significance (2). Last evaluated 2024-09-30.

Conditions:
Cardiovascular phenotype. Identifiers: MedGen CN230736.
Catecholaminergic polymorphic ventricular tachycardia 1. Also called: VENTRICULAR TACHYCARDIA, CATECHOLAMINERGIC POLYMORPHIC, 1, WITH OR WITHOUT ATRIAL DYSFUNCTION AND/OR DILATED CARDIOMYOPATHY; RYR2-Related Catecholaminergic Polymorphic Ventricular Tachycardia; VENTRICULAR TACHYCARDIA, STRESS-INDUCED POLYMORPHIC 1. Identifiers: Orphanet 3286, MedGen C1631597, MONDO:0011484, OMIM 604772.

Allele frequency attached by ClinVar (database versions not stated): TOPMed below 0.00001; ExAC 0.00001; gnomAD 0.00001.

Submissions (2):

Ambry Genetics
Classification: Uncertain significance for Cardiovascular phenotype. Last evaluated: 2024-09-30. Review status: criteria provided, single submitter. Criteria: Ambry Variant Classification Scheme 2023. Collection method: clinical testing. Allele origin: germline.
Comment: The p.S3153P variant (also known as c.9457T>C), located in coding exon 67 of the RYR2 gene, results from a T to C substitution at nucleotide position 9457. The serine at codon 3153 is replaced by proline, an amino acid with similar properties. This amino acid position is well conserved in available vertebrate species. In addition, this alteration is predicted to be tolerated by in silico analysis. Based on the available evidence, the clinical significance of this variant remains unclear.

Labcorp Genetics (formerly Invitae), Labcorp
Classification: Uncertain significance for Catecholaminergic polymorphic ventricular tachycardia 1. Last evaluated: 2023-02-08. Review status: criteria provided, single submitter. Criteria: Invitae Variant Classification Sherloc (09022015). Collection method: clinical testing. Allele origin: germline.
Comment: This sequence change replaces serine, which is neutral and polar, with proline, which is neutral and non-polar, at codon 3153 of the RYR2 protein (p.Ser3153Pro). The frequency data for this variant in the population databases is considered unreliable, as metrics indicate poor data quality at this position in the gnomAD database. This variant has not been reported in the literature in individuals affected with RYR2-related conditions. Advanced modeling of protein sequence and biophysical properties (such as structural, functional, and spatial information, amino acid conservation, physicochemical variation, residue mobility, and thermodynamic stability) performed at Invitae indicates that this missense variant is not expected to disrupt RYR2 protein function. In summary, the available evidence is currently insufficient to determine the role of this variant in disease. Therefore, it has been classified as a Variant of Uncertain Significance.